The following is an entry in ClinVar:

NM_001267550.2(TTN):c.45521G>A (p.Arg15174Lys)

Genes: TTN (titin; minus strand), LOC126806427 (BRD4-independent group 4 enhancer GRCh37_chr2:179485777-179486976; plus strand). Cytogenetic location: 2q31.2.
Variant type: single nucleotide variant.
Coding change: c.45521G>A on transcript NM_001267550.2 (MANE Select); coding-DNA position 45521, G replaced by A.
Protein change: p.Arg15174Lys; replaces arginine 15174 with lysine.
Molecular consequence: missense variant.
Genome position (GRCh38, 1-based): chr2:178,621,197, C>T on the plus strand (G>A on the coding strand, the complement: TTN is on the minus strand). VCF-style: chr2-178621197-C-T. GRCh37 (hg19) VCF-style: chr2-179485924-C-T.
Other names: c.40598G>A, p.Arg13533Lys (NM_001256850.1); c.18326G>A, p.Arg6109Lys (NM_003319.4); c.37817G>A, p.Arg12606Lys (NM_133378.4); c.18701G>A, p.Arg6234Lys (NM_133432.3); c.18902G>A, p.Arg6301Lys (NM_133437.4); short protein forms R13533K, R6109K, R6234K, R15174K, R6301K, R12606K.
Identifiers: ClinVar variation 1780975 (VCV001780975.25), dbSNP rs763294408, ClinGen allele CA1995422.

ClinVar aggregate classification (germline): Uncertain significance. Review status: criteria provided, multiple submitters, no conflicts (2 of 4 stars). 2 submissions from 2 submitters: Uncertain significance (2). Last evaluated 2023-12-01.

Conditions:
Cardiovascular phenotype. Identifiers: MedGen CN230736.

Allele frequency attached by ClinVar (database versions not stated): gnomAD 0.00001; TOPMed 0.00002; ExAC 0.00003.
gnomAD v4.1: 8 of 1,612,372 alleles (0.0005%); highest among the groups gnomAD compares: Admixed American, 0.0033%; no homozygotes.

Submissions (2):

CeGaT Center for Human Genetics Tuebingen
Classification: Uncertain significance. Last evaluated: 2023-12-01. Review status: criteria provided, single submitter. Criteria: CeGaT Center For Human Genetics Tuebingen Variant Classification Criteria Version 2. Collection method: clinical testing. Allele origin: germline. Affected: yes. Observed: 1 variant allele.

Ambry Genetics
Classification: Uncertain significance for Cardiovascular phenotype. Last evaluated: 2019-12-18. Review status: criteria provided, single submitter. Criteria: Ambry Variant Classification Scheme 2023. Collection method: clinical testing. Allele origin: germline.
Comment: The p.R6109K variant (also known as c.18326G>A), located in coding exon 73 of the TTN gene, results from a G to A substitution at nucleotide position 18326. The arginine at codon 6109 is replaced by lysine, an amino acid with highly similar properties. This amino acid position is highly conserved in available vertebrate species. In addition, this alteration is predicted to be tolerated by in silico analysis. Since supporting evidence is limited at this time, the clinical significance of this alteration remains unclear.